The following is an entry in ClinVar:

ClinVar aggregate classification (germline): Conflicting classifications of pathogenicity. Review status: criteria provided, conflicting classifications (1 of 4 stars). 2 submissions from 2 submitters: Uncertain significance (1); Likely benign (1). Last evaluated 2025-07-08.

Conditions:
NHERF1-related disorder. Also called: NHERF1-related condition.
Inborn genetic diseases. Identifiers: MedGen C0950123, MeSH D030342.

Allele frequency attached by ClinVar (database versions not stated): TOPMed below 0.00001; gnomAD 0.00001.
gnomAD v4.1: 5 of 1,613,056 alleles (0.00031%); highest among the groups gnomAD compares: Admixed American, 0.0017%; no homozygotes.

Submissions (2):

PreventionGenetics, part of Exact Sciences
Classification: Uncertain significance for NHERF1-related condition. Last evaluated: 2025-07-08. Review status: criteria provided, single submitter. Criteria: ACMG Guidelines, 2015. Collection method: clinical testing. Allele origin: germline.
Comment: The NHERF1 c.865G>A variant is predicted to result in the amino acid substitution p.Ala289Thr. To our knowledge, this variant has not been reported in the literature. This variant is reported in 0.0033% of alleles in individuals of South Asian descent in gnomAD. At this time, the clinical significance of this variant is uncertain due to the absence of conclusive functional and genetic evidence.

Ambry Genetics
Classification: Likely benign for Inborn genetic diseases. Last evaluated: 2021-09-01. Review status: criteria provided, single submitter. Criteria: Ambry Variant Classification Scheme 2023. Collection method: clinical testing. Allele origin: germline.

NM_004252.5(NHERF1):c.865G>A (p.Ala289Thr)

Gene: NHERF1 (NHERF family PDZ scaffold protein 1; plus strand). Cytogenetic location: 17q25.1.
Variant type: single nucleotide variant.
Coding change: c.865G>A on transcript NM_004252.5 (MANE Select); coding-DNA position 865, G replaced by A.
Protein change: p.Ala289Thr; replaces alanine 289 with threonine.
Molecular consequence: missense variant.
Genome position (GRCh38, 1-based): chr17:74,768,213, G>A. VCF-style: chr17-74768213-G-A. GRCh37 (hg19) VCF-style: chr17-72764352-G-A.
Other names: c.865G>A (NM_004252.4); short protein forms A289T.
Identifiers: ClinVar variation 3199466 (VCV003199466.2), dbSNP rs1388081112, ClinGen allele CA400941932.